The following is an entry in ClinVar:

NM_003072.5(SMARCA4):c.2002-625_2124-1045del

Gene: SMARCA4 (SWI/SNF related BAF chromatin remodeling complex subunit ATPase 4; plus strand). Cytogenetic location: 19p13.2.
Variant type: Deletion.
Coding change: c.2002-625_2124-1045del on transcript NM_003072.5 (MANE Select); 625 bases into the intron before coding-DNA position 2002 through 1045 bases into the intron before coding-DNA position 2124, 2,060 bases deleted.
Molecular consequence: splice acceptor variant, splice donor variant.
Genome position (GRCh38, 1-based): chr19:11,007,277-11,009,336, 2,060 bases deleted. GRCh37 (hg19): chr19:11,117,953-11,120,012.
Other names: c.2002-625_2124-1045del (NM_001128844.3, NM_001128849.3, NM_001128847.4 and 6 more transcripts).
Identifiers: ClinVar variation 3602776 (VCV003602776.2).

ClinVar aggregate classification (germline): Likely pathogenic (1 of 4 stars; one submission).

Conditions:
Rhabdoid tumor predisposition syndrome 2 (RTPS2). Identifiers: Orphanet 231108, Orphanet 69077, MedGen C2750074, MONDO:0013224, OMIM 613325.

Submission:

Department of Clinical Genetics, Copenhagen University Hospital, Rigshospitalet
Classification: Likely pathogenic for Rhabdoid tumor predisposition syndrome 2. Last evaluated: 2025-01-24. Review status: criteria provided, single submitter. Criteria: ACMG Guidelines, 2015. Collection method: clinical testing. Allele origin: germline.
Comment: The following ACMG criteria have been used in classification: PM2_SUP; PM6; PVS1_Strong; PP4

Literature cited by the submitters: PubMed 37430472.